The following is an entry in ClinVar:

ClinVar aggregate classification (germline): Pathogenic/Likely pathogenic. Review status: criteria provided, multiple submitters, no conflicts (2 of 4 stars). 6 submissions from 6 submitters: Pathogenic (2); Likely pathogenic (3). 1 of the submissions does not count toward it. Last evaluated 2025-12-22.

Conditions:
CLDN14-related disorder. Also called: CLDN14-related condition.
Autosomal recessive nonsyndromic hearing loss 29. Identifiers: Orphanet 90636, MedGen C3279660, MONDO:0013537, OMIM 614035.
Hearing impairment. Also called: Impaired Hearing. Identifiers: MedGen C1384666, MONDO:0005365, HP:0000365.

Allele frequency attached by ClinVar (database versions not stated): gnomAD 0.00001; ExAC 0.00002; gnomAD exomes 0.00002 and 0.00003; TOPMed 0.00002; ESP Exome Variant Server 0.00008.
gnomAD v4.1: 40 of 1,613,186 alleles (0.0025%); highest among the groups gnomAD compares: South Asian, 0.0066%; no homozygotes.

Submissions (6):

GeneDx
Classification: Likely pathogenic. Last evaluated: 2025-12-22. Review status: criteria provided, single submitter. Criteria: GeneDx Variant Classification Process June 2021. Collection method: clinical testing. Allele origin: germline.
Comment: Not observed at significant frequency in large population cohorts (gnomAD); In silico analysis supports that this missense variant has a deleterious effect on protein structure/function; This variant is associated with the following publications: (PMID: 23235333, 31527509, 29447821, 22246673, 36147510, 38790217)

PreventionGenetics, part of Exact Sciences
Classification: Likely pathogenic for CLDN14-related condition. Last evaluated: 2022-08-18. Review status: criteria provided, single submitter. Criteria: ACMG Guidelines, 2015. Collection method: clinical testing. Allele origin: germline.
Comment: The CLDN14 c.242G>A variant is predicted to result in the amino acid substitution p.Arg81His. This variant was reported to segregate with autosomal recessive nonsyndromic hearing loss in six affected and one unaffected member of a consanguineous family and a single affected member of a second family (Lee et al 2012. PubMed ID: 22246673; Bashir et al 2012. PubMed ID: 23235333). This variant is reported in 0.0062% of alleles in individuals of African descent in gnomAD. This variant is interpreted as likely pathogenic.

Labcorp Genetics (formerly Invitae), Labcorp
Classification: Pathogenic. Last evaluated: 2022-01-05. Review status: criteria provided, single submitter. Criteria: Invitae Variant Classification Sherloc (09022015). Collection method: clinical testing. Allele origin: germline.
Comment: For these reasons, this variant has been classified as Pathogenic. Algorithms developed to predict the effect of missense changes on protein structure and function (SIFT, PolyPhen-2, Align-GVGD) all suggest that this variant is likely to be disruptive. ClinVar contains an entry for this variant (Variation ID: 189331). This missense change has been observed in individuals with deafness (PMID: 22246673, 23235333). It has also been observed to segregate with disease in related individuals. This variant is present in population databases (rs368027306, gnomAD 0.01%). This sequence change replaces arginine, which is basic and polar, with histidine, which is basic and polar, at codon 81 of the CLDN14 protein (p.Arg81His).

Department of Otolaryngology – Head & Neck Surgery, Cochlear Implant Center
Classification: Likely pathogenic for Hearing impairment. Last evaluated: 2021-04-12. Review status: criteria provided, single submitter. Criteria: ClinGen HL ACMG Specifications v1. Collection method: clinical testing. Allele origin: germline. Affected: yes.
Comment: PS1_Strong, PM2_Moderate, PP3_Supporting

Juno Genomics, Hangzhou Juno Genomics, Inc
Classification: Pathogenic for Autosomal recessive nonsyndromic hearing loss 29. Review status: criteria provided, single submitter. Criteria: ACMG Guidelines, 2015. Collection method: clinical testing. Allele origin: germline.
Comment: Absent from controls (or at extremely low frequency if recessive) in Genome Aggregation Database.;Multiple lines of computational evidence support a deleterious effect on the gene or gene product.;For recessive disorders, detected in trans with a pathogenic variant.;Co-segregation with disease in multiple affected family members.;Patient's phenotype or family history is highly specific for a disease with a single genetic etiology.

OMIM
Classification: Pathogenic for DEAFNESS, AUTOSOMAL RECESSIVE 29. Last evaluated: 2012-02-01. Review status: no assertion criteria provided. Collection method: literature only. Allele origin: germline. Not counted in ClinVar's aggregate classification.

Literature cited by the submitters: PubMed 22246673 (cited by Labcorp Genetics (formerly Invitae), Labcorp and OMIM); PubMed 23235333 (cited by Labcorp Genetics (formerly Invitae), Labcorp and Department of Otolaryngology – Head & Neck Surgery, Cochlear Implant Center).

NM_001146079.2(CLDN14):c.242G>A (p.Arg81His)

Genes: CLDN14 (claudin 14; minus strand), CLDN14-AS1 (CLDN14 antisense RNA 1; plus strand). Cytogenetic location: 21q22.13.
Variant type: single nucleotide variant.
Coding change: c.242G>A on transcript NM_001146079.2 (MANE Select); coding-DNA position 242, G replaced by A.
Protein change: p.Arg81His; replaces arginine 81 with histidine.
Molecular consequence: missense variant.
Genome position (GRCh38, 1-based): chr21:36,461,454, C>T on the plus strand (G>A on the coding strand, the complement: CLDN14 is on the minus strand). VCF-style: chr21-36461454-C-T. GRCh37 (hg19) VCF-style: chr21-37833752-C-T.
Other names: c.242G>A (NM_001146077.1); c.242G>A, p.Arg81His (NM_001146077.2, NM_001146078.3, NM_012130.4 and 1 more transcripts); short protein forms R81H.
Identifiers: ClinVar variation 189331 (VCV000189331.14), dbSNP rs368027306, ClinGen allele CA199222.